The following is an entry in ClinVar:

ClinVar aggregate classification (germline): Uncertain significance (1 of 4 stars; one submission).

Conditions:
RYR1-related disorder. Also called: RYR1-related condition; RYR1-related disorders. Identifiers: MedGen CN239331.

Submission:

Labcorp Genetics (formerly Invitae), Labcorp
Classification: Uncertain significance for RYR1-related disorder. Last evaluated: 2025-12-03. Review status: criteria provided, single submitter. Criteria: Invitae Variant Classification Sherloc (09022015). Collection method: clinical testing. Allele origin: germline.
Comment: This sequence change replaces aspartic acid, which is acidic and polar, with tyrosine, which is neutral and polar, at codon 2629 of the RYR1 protein (p.Asp2629Tyr). This variant is not present in population databases (gnomAD no frequency). This variant has not been reported in the literature in individuals affected with RYR1-related conditions. Invitae Evidence Modeling of protein sequence and biophysical properties (such as structural, functional, and spatial information, amino acid conservation, physicochemical variation, residue mobility, and thermodynamic stability) indicates that this missense variant is expected to disrupt RYR1 protein function with a positive predictive value of 80%. In summary, the available evidence is currently insufficient to determine the role of this variant in disease. Therefore, it has been classified as a Variant of Uncertain Significance.

NM_000540.3(RYR1):c.7885G>T (p.Asp2629Tyr)

Gene: RYR1 (ryanodine receptor 1; plus strand). Cytogenetic location: 19q13.2.
Variant type: single nucleotide variant.
Coding change: c.7885G>T on transcript NM_000540.3 (MANE Select); coding-DNA position 7885, G replaced by T.
Protein change: p.Asp2629Tyr; replaces aspartic acid 2629 with tyrosine.
Molecular consequence: missense variant.
Genome position (GRCh38, 1-based): chr19:38,502,929, G>T. VCF-style: chr19-38502929-G-T. GRCh37 (hg19) VCF-style: chr19-38993569-G-T.
Other names: c.7885G>T, p.Asp2629Tyr (NM_001042723.2); short protein forms D2629Y.
Identifiers: ClinVar variation 4707178 (VCV004707178.1).